The following is an entry in ClinVar:

ClinVar aggregate classification (germline): Uncertain significance. Review status: criteria provided, multiple submitters, no conflicts (2 of 4 stars). 2 submissions from 2 submitters: Uncertain significance (2). Last evaluated 2024-11-08.

Conditions:
Multiple gastrointestinal atresias. Also called: FAMILIAL INTESTINAL POLYATRESIA SYNDROME; Multiple intestinal atresia. Identifiers: Orphanet 2300, MedGen C0220744, MONDO:0009465.
Inborn genetic diseases. Identifiers: MedGen C0950123, MeSH D030342.

Allele frequency attached by ClinVar (database versions not stated): gnomAD exomes below 0.00001; ExAC 0.00001; gnomAD 0.00001.
gnomAD v4.1: 11 of 1,613,654 alleles (0.00068%); highest among the groups gnomAD compares: South Asian, 0.0022%; no homozygotes.

Submissions (2):

Ambry Genetics
Classification: Uncertain significance for Inborn genetic diseases. Last evaluated: 2024-11-08. Review status: criteria provided, single submitter. Criteria: Ambry Variant Classification Scheme 2023. Collection method: clinical testing. Allele origin: germline.

Labcorp Genetics (formerly Invitae), Labcorp
Classification: Uncertain significance for Multiple gastrointestinal atresias. Last evaluated: 2022-08-19. Review status: criteria provided, single submitter. Criteria: Invitae Variant Classification Sherloc (09022015). Collection method: clinical testing. Allele origin: germline.
Comment: This sequence change replaces arginine, which is basic and polar, with glutamine, which is neutral and polar, at codon 791 of the TTC7A protein (p.Arg791Gln). This variant is present in population databases (rs763453786, gnomAD 0.003%). This variant has not been reported in the literature in individuals affected with TTC7A-related conditions. ClinVar contains an entry for this variant (Variation ID: 1053901). Algorithms developed to predict the effect of missense changes on protein structure and function output the following: SIFT: "Tolerated"; PolyPhen-2: "Benign"; Align-GVGD: "Class C0". The glutamine amino acid residue is found in multiple mammalian species, which suggests that this missense change does not adversely affect protein function. In summary, the available evidence is currently insufficient to determine the role of this variant in disease. Therefore, it has been classified as a Variant of Uncertain Significance.

NM_020458.4(TTC7A):c.2372G>A (p.Arg791Gln)

Gene: TTC7A (tetratricopeptide repeat domain 7A; plus strand). Cytogenetic location: 2p21.
Variant type: single nucleotide variant.
Coding change: c.2372G>A on transcript NM_020458.4 (MANE Select); coding-DNA position 2372, G replaced by A.
Protein change: p.Arg791Gln; replaces arginine 791 with glutamine.
Molecular consequence: missense variant.
Genome position (GRCh38, 1-based): chr2:47,073,718, G>A. VCF-style: chr2-47073718-G-A. GRCh37 (hg19) VCF-style: chr2-47300857-G-A.
Other names: c.2444G>A, p.Arg815Gln (NM_001288951.2); c.2270G>A, p.Arg757Gln (NM_001288953.2); c.1310G>A, p.Arg437Gln (NM_001288955.2); c.2372G>A (NM_020458.2); short protein forms R437Q, R757Q, R791Q, R815Q.
Identifiers: ClinVar variation 1053901 (VCV001053901.7), dbSNP rs763453786, ClinGen allele CA1648139.